The following is an entry in ClinVar:

ClinVar aggregate classification (germline): Pathogenic (1 of 4 stars; one submission).

Conditions:
Hereditary cancer-predisposing syndrome. Also called: Tumor predisposition; Neoplastic Syndromes, Hereditary; Hereditary neoplastic syndrome; Hereditary Cancer Syndrome. Identifiers: Orphanet 140162, MedGen C0027672, MeSH D009386, MONDO:0015356.

Submission:

Ambry Genetics
Classification: Pathogenic for Hereditary cancer-predisposing syndrome. Last evaluated: 2024-09-06. Review status: criteria provided, single submitter. Criteria: Ambry Variant Classification Scheme 2023. Collection method: clinical testing. Allele origin: germline.
Comment: The c.1100delC pathogenic mutation, located in coding exon 4 of the BARD1 gene, results from a deletion of one nucleotide at nucleotide position 1100, causing a translational frameshift with a predicted alternate stop codon (p.S367Yfs*33). This variant is considered to be rare based on population cohorts in the Genome Aggregation Database (gnomAD). This alteration is expected to result in loss of function by premature protein truncation or nonsense-mediated mRNA decay. As such, this alteration is interpreted as a disease-causing mutation.

NM_000465.4(BARD1):c.1100del (p.Ser367fs)

Gene: BARD1 (BRCA1 associated RING domain 1; minus strand). Cytogenetic location: 2q35.
Variant type: Deletion.
Coding change: c.1100del on transcript NM_000465.4 (MANE Select); coding-DNA position 1100, one base deleted (C; older notation c.1100delC).
Protein change: p.Ser367fs; shifts the reading frame from serine 367.
Molecular consequence: frameshift variant. On other transcripts: non-coding transcript variant (2), intron variant (3).
Genome position (GRCh38, 1-based): chr2:214,780,774, G deleted on the plus strand (C on the coding strand, the reverse complement: BARD1 is on the minus strand). VCF-style (leftmost placement, unchanged base first): chr2-214780773-TG-T. GRCh37 (hg19) VCF-style: chr2-215645497-TG-T.
Other names: c.1043del, p.Ser348fs (NM_001282543.2); c.159-28219del (NM_001282548.2); c.215+16287del (NM_001282545.2); c.364+11523del (NM_001282549.2); short protein forms S348fs, S367fs.
Identifiers: ClinVar variation 3479714 (VCV003479714.1).